The following is an entry in ClinVar:

NM_000256.3(MYBPC3):c.2686G>T (p.Val896Leu)

Gene: MYBPC3 (myosin binding protein C3; minus strand). Cytogenetic location: 11p11.2.
Variant type: single nucleotide variant.
Coding change: c.2686G>T on transcript NM_000256.3 (MANE Select); coding-DNA position 2686, G replaced by T.
Protein change: p.Val896Leu; replaces valine 896 with leucine.
Molecular consequence: missense variant.
Genome position (GRCh38, 1-based): chr11:47,335,928, C>A on the plus strand (G>T on the coding strand, the complement: MYBPC3 is on the minus strand). VCF-style: chr11-47335928-C-A. GRCh37 (hg19) VCF-style: chr11-47357479-C-A.
Other names: short protein forms V896L.
Identifiers: ClinVar variation 3894403 (VCV003894403.1).

ClinVar aggregate classification (germline): Uncertain significance (1 of 4 stars; one submission).

Conditions:
Cardiomyopathy (CMYO). Also called: Cardiomyopathies. Identifiers: Orphanet 167848, MedGen C0878544, MONDO:0004994, HP:0001638. Inheritance: Various modes of inheritance.

gnomAD v4.1: 1 of 1,553,576 alleles (0.000064%); highest among the groups gnomAD compares: Non-Finnish European, 0.000087%; no homozygotes.

Submission:

Color Diagnostics, LLC DBA Color Health
Classification: Uncertain significance for Cardiomyopathy. Last evaluated: 2024-03-06. Review status: criteria provided, single submitter. Criteria: ACMG Guidelines, 2015. Collection method: clinical testing. Allele origin: germline.
Comment: This missense variant replaces valine with leucine at codon 896 of the MYBPC3 protein. Computational prediction suggests that this variant may not impact protein structure and function (internally defined REVEL score threshold <= 0.5, PMID: 27666373). To our knowledge, functional studies have not been reported for this variant. This variant has not been reported in individuals affected with MYBPC3-related disorders in the literature. This variant has not been identified in the general population by the Genome Aggregation Database (gnomAD). The available evidence is insufficient to determine the role of this variant in disease conclusively. Therefore, this variant is classified as a Variant of Uncertain Significance.